The following is an entry in ClinVar:

NM_175737.4(KLB):c.2580G>A (p.Thr860=)

Genes: KLB (klotho beta; plus strand), LOC129992452 (ATAC-STARR-seq lymphoblastoid active region 21458; plus strand). Cytogenetic location: 4p14.
Variant type: single nucleotide variant.
Coding change: c.2580G>A on transcript NM_175737.4 (MANE Select); coding-DNA position 2580, G replaced by A.
Protein change: p.Thr860=; no amino-acid change (threonine 860 retained).
Molecular consequence: synonymous variant.
Genome position (GRCh38, 1-based): chr4:39,447,306, G>A. VCF-style: chr4-39447306-G-A. GRCh37 (hg19) VCF-style: chr4-39448926-G-A.
Identifiers: ClinVar variation 3040897 (VCV003040897.3), dbSNP rs200309567, ClinGen allele CA2894033.

ClinVar aggregate classification (germline): Likely benign. Review status: criteria provided, single submitter (1 of 4 stars). 2 submissions from 2 submitters: Likely benign (1). 1 of the submissions does not count toward it. Last evaluated 2025-10-18.

Conditions:
KLB-related disorder. Also called: KLB-related condition.

Allele frequency attached by ClinVar (database versions not stated): ExAC 0.00010; ESP Exome Variant Server 0.00015; TOPMed 0.00015; gnomAD 0.00019; 1000 Genomes Project 0.00020; gnomAD exomes 0.00029; 1000 Genomes Project 30x 0.00031.
gnomAD v4.1: 448 of 1,614,064 alleles (0.028%); highest among the groups gnomAD compares: Non-Finnish European, 0.036%; no homozygotes.

Submissions (2):

Labcorp Genetics (formerly Invitae), Labcorp
Classification: Likely benign. Last evaluated: 2025-10-18. Review status: criteria provided, single submitter. Criteria: Invitae Variant Classification Sherloc (09022015). Collection method: clinical testing. Allele origin: germline.

PreventionGenetics, part of Exact Sciences
Classification: Likely benign for KLB-related condition. Last evaluated: 2019-09-12. Review status: no assertion criteria provided. Collection method: clinical testing. Allele origin: germline. Not counted in ClinVar's aggregate classification.
Comment: This variant is classified as likely benign based on ACMG/AMP sequence variant interpretation guidelines (Richards et al. 2015 PMID: 25741868, with internal and published modifications).